The following is an entry in ClinVar:

NM_021922.3(FANCE):c.928C>T (p.Pro310Ser)

Gene: FANCE (FA complementation group E; plus strand). Cytogenetic location: 6p21.31.
Variant type: single nucleotide variant.
Coding change: c.928C>T on transcript NM_021922.3 (MANE Select); coding-DNA position 928, C replaced by T.
Protein change: p.Pro310Ser; replaces proline 310 with serine.
Molecular consequence: missense variant.
Genome position (GRCh38, 1-based): chr6:35,457,943, C>T. VCF-style: chr6-35457943-C-T. GRCh37 (hg19) VCF-style: chr6-35425720-C-T.
Other names: c.928C>T (NM_021922.2); short protein forms P310S.
Identifiers: ClinVar variation 1506276 (VCV001506276.8), dbSNP rs372788363, ClinGen allele CA363774926.

ClinVar aggregate classification (germline): Uncertain significance. Review status: criteria provided, multiple submitters, no conflicts (2 of 4 stars). 2 submissions from 2 submitters: Uncertain significance (2). Last evaluated 2023-08-29.

Conditions:
Fanconi anemia complementation group E (FANCE). Also called: FANCE-Related Fanconi Anemia. Identifiers: Orphanet 84, MedGen C3160739, MONDO:0010953, OMIM 600901.

gnomAD v4.1: 4 of 1,614,158 alleles (0.00025%); highest among the groups gnomAD compares: East Asian, 0.0067%; no homozygotes.

Submissions (2):

Labcorp Genetics (formerly Invitae), Labcorp
Classification: Uncertain significance for Fanconi anemia complementation group E. Last evaluated: 2023-08-29. Review status: criteria provided, single submitter. Criteria: Invitae Variant Classification Sherloc (09022015). Collection method: clinical testing. Allele origin: germline.
Comment: In summary, the available evidence is currently insufficient to determine the role of this variant in disease. Therefore, it has been classified as a Variant of Uncertain Significance. Advanced modeling of protein sequence and biophysical properties (such as structural, functional, and spatial information, amino acid conservation, physicochemical variation, residue mobility, and thermodynamic stability) performed at Invitae indicates that this missense variant is not expected to disrupt FANCE protein function. ClinVar contains an entry for this variant (Variation ID: 1506276). This variant has not been reported in the literature in individuals affected with FANCE-related conditions. This variant is not present in population databases (gnomAD no frequency). This sequence change replaces proline, which is neutral and non-polar, with serine, which is neutral and polar, at codon 310 of the FANCE protein (p.Pro310Ser).

GeneDx
Classification: Uncertain significance. Last evaluated: 2023-02-02. Review status: criteria provided, single submitter. Criteria: GeneDx Variant Classification Process June 2021. Collection method: clinical testing. Allele origin: germline. Affected: yes.
Comment: Not observed at significant frequency in large population cohorts (gnomAD); In silico analysis supports that this missense variant has a deleterious effect on protein structure/function; Has not been previously published as pathogenic or benign to our knowledge